The following is an entry in ClinVar:

NM_001361.5(DHODH):c.601C>G (p.Leu201Val)

Gene: DHODH (dihydroorotate dehydrogenase (quinone); plus strand). Cytogenetic location: 16q22.2.
Variant type: single nucleotide variant.
Coding change: c.601C>G on transcript NM_001361.5 (MANE Select); coding-DNA position 601, C replaced by G.
Protein change: p.Leu201Val; replaces leucine 201 with valine.
Molecular consequence: missense variant.
Genome position (GRCh38, 1-based): chr16:72,021,207, C>G. VCF-style: chr16-72021207-C-G. GRCh37 (hg19) VCF-style: chr16-72055106-C-G.
Other names: short protein forms L201V.
Identifiers: ClinVar variation 4740880 (VCV004740880.1).

ClinVar aggregate classification (germline): Uncertain significance (1 of 4 stars; one submission).

Submission:

Labcorp Genetics (formerly Invitae), Labcorp
Classification: Uncertain significance. Last evaluated: 2025-10-06. Review status: criteria provided, single submitter. Criteria: Invitae Variant Classification Sherloc (09022015). Collection method: clinical testing. Allele origin: germline.
Comment: This sequence change replaces leucine, which is neutral and non-polar, with valine, which is neutral and non-polar, at codon 201 of the DHODH protein (p.Leu201Val). This variant is present in population databases (no rsID available, gnomAD 0.0009%). This variant has not been reported in the literature in individuals affected with DHODH-related conditions. Invitae Evidence Modeling of protein sequence and biophysical properties (such as structural, functional, and spatial information, amino acid conservation, physicochemical variation, residue mobility, and thermodynamic stability) indicates that this missense variant is not expected to disrupt DHODH protein function with a negative predictive value of 80%. In summary, the available evidence is currently insufficient to determine the role of this variant in disease. Therefore, it has been classified as a Variant of Uncertain Significance.